The following is an entry in ClinVar:

NM_000079.4(CHRNA1):c.1011C>T (p.Ile337=)

Gene: CHRNA1 (cholinergic receptor nicotinic alpha 1 subunit; minus strand). Cytogenetic location: 2q31.1.
Variant type: single nucleotide variant.
Coding change: c.1011C>T on transcript NM_000079.4 (MANE Select); coding-DNA position 1011, C replaced by T.
Protein change: p.Ile337=; no amino-acid change (isoleucine 337 retained).
Molecular consequence: synonymous variant.
Genome position (GRCh38, 1-based): chr2:174,748,811, G>A on the plus strand (C>T on the coding strand, the complement: CHRNA1 is on the minus strand). VCF-style: chr2-174748811-G-A. GRCh37 (hg19) VCF-style: chr2-175613539-G-A.
Other names: c.1086C>T, p.Ile362= (NM_001039523.3).
Identifiers: ClinVar variation 2919687 (VCV002919687.3), dbSNP rs778575658, ClinGen allele CA1974380.

ClinVar aggregate classification (germline): Uncertain significance (1 of 4 stars; one submission).

Conditions:
Lethal multiple pterygium syndrome (LMPS). Identifiers: Orphanet 33108, MedGen C1854678, MONDO:0009668, OMIM 253290.

Submission:

Labcorp Genetics (formerly Invitae), Labcorp
Classification: Uncertain significance for Lethal multiple pterygium syndrome. Last evaluated: 2024-07-29. Review status: criteria provided, single submitter. Criteria: Invitae Variant Classification Sherloc (09022015). Collection method: clinical testing. Allele origin: germline.
Comment: This sequence change affects codon 337 of the CHRNA1 mRNA. It is a 'silent' change, meaning that it does not change the encoded amino acid sequence of the CHRNA1 protein. This variant is present in population databases (rs778575658, gnomAD 0.006%). This variant has not been reported in the literature in individuals affected with CHRNA1-related conditions. Algorithms developed to predict the effect of sequence changes on RNA splicing suggest that this variant may create or strengthen a splice site. In summary, the available evidence is currently insufficient to determine the role of this variant in disease. Therefore, it has been classified as a Variant of Uncertain Significance.